The following is an entry in ClinVar:

ClinVar aggregate classification (germline): Likely pathogenic. Review status: criteria provided, multiple submitters, no conflicts (2 of 4 stars). 2 submissions from 2 submitters: Likely pathogenic (2). Last evaluated 2024-03-20.

Conditions:
T-B+ severe combined immunodeficiency due to JAK3 deficiency. Also called: SCID, autosomal recessive, T-negative/B-positive type; SCID, T CELL-NEGATIVE, B CELL-POSITIVE, NK CELL-NEGATIVE. Identifiers: Orphanet 35078, MedGen C1833275, MONDO:0010938, OMIM 600802.
Severe combined immunodeficiency disease. Also called: Severe Combined Immune Deficiency; Severe combined immunodeficiency. Identifiers: Orphanet 183660, MedGen C0085110, MeSH D016511, MONDO:0015974, HP:0004430. Inheritance: X-Linked or Autosomal recessive.

Allele frequency attached by ClinVar (database versions not stated): gnomAD exomes below 0.00001.
gnomAD v4.1: 1 of 1,614,118 alleles (0.000062%); highest among the groups gnomAD compares: Non-Finnish European, 0.000085%; no homozygotes.

Submissions (2):

Fulgent Genetics
Classification: Likely pathogenic for T-B+ severe combined immunodeficiency due to JAK3 deficiency. Last evaluated: 2024-03-20. Review status: criteria provided, single submitter. Criteria: ACMG Guidelines, 2015. Collection method: clinical testing. Allele origin: germline.

Women's Health and Genetics/Laboratory Corporation of America, LabCorp
Classification: Likely pathogenic for Severe combined immunodeficiency disease. Last evaluated: 2024-03-14. Review status: criteria provided, single submitter. Criteria: LabCorp Variant Classification Summary - May 2015. Collection method: clinical testing. Allele origin: germline.
Comment: Variant summary: JAK3 c.1442-2A>G is located in a canonical splice-site and is predicted to affect mRNA splicing resulting in a significantly altered protein due to either exon skipping, shortening, or inclusion of intronic material. Several computational tools predict a significant impact on normal splicing: Four predict the variant abolishes a 3' acceptor site. However, these predictions have yet to be confirmed by functional studies. The variant was absent in 251486 control chromosomes. c.1442-2A>G has been reported in the literature in individuals affected with Severe Combined Immunodeficiency (Candotti_1997, Cifaldi_2019). These data indicate that the variant may be associated with disease. To our knowledge, no experimental evidence demonstrating an impact on protein function has been reported. The following publications have been ascertained in the context of this evaluation (PMID: 9354668, 31031743). No submitters have cited clinical-significance assessments for this variant to ClinVar. Based on the evidence outlined above, the variant was classified as likely pathogenic.

Literature cited by the submitters: PubMed 9354668 (cited by Women's Health and Genetics/Laboratory Corporation of America, LabCorp); PubMed 11213805 (cited by Women's Health and Genetics/Laboratory Corporation of America, LabCorp); PubMed 11668610 (cited by Women's Health and Genetics/Laboratory Corporation of America, LabCorp); PubMed 10982185 (cited by Women's Health and Genetics/Laboratory Corporation of America, LabCorp); PubMed 10900158 (cited by Women's Health and Genetics/Laboratory Corporation of America, LabCorp); PubMed 17433830 (cited by Women's Health and Genetics/Laboratory Corporation of America, LabCorp); PubMed 31031743 (cited by Women's Health and Genetics/Laboratory Corporation of America, LabCorp).

NM_000215.4(JAK3):c.1442-2A>G

Gene: JAK3 (Janus kinase 3; minus strand). Cytogenetic location: 19p13.11.
Variant type: single nucleotide variant.
Coding change: c.1442-2A>G on transcript NM_000215.4 (MANE Select); the canonical splice acceptor site of the intron before coding-DNA position 1442, A replaced by G.
Molecular consequence: splice acceptor variant.
Genome position (GRCh38, 1-based): chr19:17,838,392, T>C on the plus strand (A>G on the coding strand, the complement: JAK3 is on the minus strand). VCF-style: chr19-17838392-T-C. GRCh37 (hg19) VCF-style: chr19-17949201-T-C.
Identifiers: ClinVar variation 3233962 (VCV003233962.5), dbSNP rs2094229647, ClinGen allele CA404770106.